The following is an entry in ClinVar:

NM_033120.4(NKD2):c.771G>A (p.Thr257=)

Gene: NKD2 (NKD inhibitor of Wnt signaling pathway 2; plus strand). Cytogenetic location: 5p15.33.
Variant type: single nucleotide variant.
Coding change: c.771G>A on transcript NM_033120.4 (MANE Select); coding-DNA position 771, G replaced by A.
Protein change: p.Thr257=; no amino-acid change (threonine 257 retained).
Molecular consequence: synonymous variant.
Genome position (GRCh38, 1-based): chr5:1,036,368, G>A. VCF-style: chr5-1036368-G-A. GRCh37 (hg19) VCF-style: chr5-1036483-G-A.
Other names: c.771G>A, p.Thr257= (NM_001271082.2).
Identifiers: ClinVar variation 4533805 (VCV004533805.6).

ClinVar aggregate classification (germline): Likely benign (1 of 4 stars; one submission).

gnomAD v4.1: 10 of 1,612,664 alleles (0.00062%); highest among the groups gnomAD compares: South Asian, 0.0011%; no homozygotes.

Submission:

CeGaT Center for Human Genetics Tuebingen
Classification: Likely benign. Last evaluated: 2025-10-01. Review status: criteria provided, single submitter. Criteria: CeGaT Center For Human Genetics Tuebingen Variant Classification Criteria Version 2. Collection method: clinical testing. Allele origin: germline. Affected: yes. Observed: 1 variant allele.
Comment: NKD2: BP4, BP7